The following is an entry in ClinVar:

ClinVar aggregate classification (germline): Likely benign. Review status: criteria provided, multiple submitters, no conflicts (2 of 4 stars). 2 submissions from 2 submitters: Likely benign (2). Last evaluated 2025-06-26.

Allele frequency attached by ClinVar (database versions not stated): gnomAD exomes 0.00001; ExAC 0.00002; gnomAD 0.00002; TOPMed 0.00004; ESP Exome Variant Server 0.00008.
gnomAD v4.1: 22 of 1,613,938 alleles (0.0014%); highest among the groups gnomAD compares: Non-Finnish European, 0.0016%; no homozygotes.

Submissions (2):

Mayo Clinic Laboratories, Mayo Clinic
Classification: Likely benign. Last evaluated: 2025-06-26. Review status: criteria provided, single submitter. Criteria: ACMG Guidelines, 2015. Collection method: clinical testing. Allele origin: germline. Observed: 1 variant allele.
Comment: BP4, BP7

Labcorp Genetics (formerly Invitae), Labcorp
Classification: Likely benign. Last evaluated: 2021-08-07. Review status: criteria provided, single submitter. Criteria: Invitae Variant Classification Sherloc (09022015). Collection method: clinical testing. Allele origin: germline.

NM_001018111.3(PODXL):c.657G>A (p.Val219=)

Gene: PODXL (podocalyxin like; minus strand). Cytogenetic location: 7q32.3.
Variant type: single nucleotide variant.
Coding change: c.657G>A on transcript NM_001018111.3 (MANE Select); coding-DNA position 657, G replaced by A.
Protein change: p.Val219=; no amino-acid change (valine 219 retained).
Molecular consequence: synonymous variant.
Genome position (GRCh38, 1-based): chr7:131,510,877, C>T on the plus strand (G>A on the coding strand, the complement: PODXL is on the minus strand). VCF-style: chr7-131510877-C-T. GRCh37 (hg19) VCF-style: chr7-131195636-C-T.
Other names: p.Val219=; c.657G>A, p.Val219= (NM_005397.4).
Identifiers: ClinVar variation 1642553 (VCV001642553.9), dbSNP rs371559943, ClinGen allele CA4488654.
Genomic context (GRCh38, chr7:131,510,877, plus strand): 5'-GCATTACTTACGTAGGGTGGTGGTCATCCCCGGGCTTGTGAAGGTGTAGCCAGGGATAGC[C>T]ACAGTGCTTGAACTGCTTGAAATTTTCATAAGATGGTCATGTCCCGAGCTTGTTGGGGTG-3'
Protein context (NP_001018121.1, residues 209-229): LMKISSSSST[Val219=]AIPGYTFTSP